The following is an entry in ClinVar:

ClinVar aggregate classification (germline): Benign (1 of 4 stars; one submission).

Conditions:
Ataxia-telangiectasia syndrome (AT). Also called: ATAXIA-TELANGIECTASIA, COMPLEMENTATION GROUP A; ATAXIA-TELANGIECTASIA, FRESNO VARIANT; Ataxia-telangiectasia; Ataxia-telangiectasia, complementation group D; AT, COMPLEMENTATION GROUP C; Ataxia-telangiectasia, complementation group E. Identifiers: Orphanet 100, MedGen C0004135, MONDO:0008840, OMIM 208900.

Allele frequency attached by ClinVar (database versions not stated): TOPMed 0.00797; gnomAD exomes 0.00094; gnomAD 0.00681 and 0.00725; 1000 Genomes Project 0.01018; 1000 Genomes Project 30x 0.01046.
gnomAD v4.1: 1,067 of 182,350 alleles (0.59%); highest among the groups gnomAD compares: African/African-American, 2.3%; 16 homozygotes.

Submission:

Illumina Laboratory Services, Illumina
Classification: Benign for Ataxia-telangiectasia syndrome. Last evaluated: 2018-01-13. Review status: criteria provided, single submitter. Criteria: ICSL Variant Classification Criteria 13 December 2019. Collection method: clinical testing. Allele origin: germline.
Comment: This variant was observed in the ICSL laboratory as part of a predisposition screen in an ostensibly healthy population. It had not been previously curated by ICSL or reported in the Human Gene Mutation Database (HGMD: prior to June 1st, 2018), and was therefore a candidate for classification through an automated scoring system. Utilizing variant allele frequency, disease prevalence and penetrance estimates, and inheritance mode, an automated score was calculated to assess if this variant is too frequent to cause the disease. Based on the score and internal cut-off values, a variant classified as benign is not then subjected to further curation. The score for this variant resulted in a classification of benign for this disease.

NM_000051.4(ATM):c.*1799C>T

Genes: ATM (ATM serine/threonine kinase; plus strand), C11orf65 (chromosome 11 open reading frame 65; minus strand). Cytogenetic location: 11q22.3.
Variant type: single nucleotide variant.
Coding change: c.*1799C>T on transcript NM_000051.4 (MANE Select); 1799 bases downstream of the stop codon, C replaced by T.
Molecular consequence: 3 prime UTR variant. On other transcripts: intron variant (2).
Genome position (GRCh38, 1-based): chr11:108,367,307, C>T. VCF-style: chr11-108367307-C-T. GRCh37 (hg19) VCF-style: chr11-108238034-C-T.
Other names: c.*1799C>T (NM_001351834.2); c.640+18613G>A (NM_001330368.2); c.694+18613G>A (NM_001351110.2).
Identifiers: ClinVar variation 877938 (VCV000877938.6), dbSNP rs114847811, ClinGen allele CA228385562.